The following is an entry in ClinVar:

ClinVar aggregate classification (germline): Uncertain significance (1 of 4 stars; one submission).

Conditions:
Rubinstein-Taybi syndrome due to EP300 haploinsufficiency. Also called: EP300-Related Rubinstein-Taybi Syndrome; RUBINSTEIN-TAYBI SYNDROME 2. Identifiers: Orphanet 353284, Orphanet 783, MedGen C3150941, MONDO:0013364, OMIM 613684.

gnomAD v4.1: 7 of 1,613,896 alleles (0.00043%); highest among the groups gnomAD compares: Non-Finnish European, 0.00051%; no homozygotes.

Submission:

Labcorp Genetics (formerly Invitae), Labcorp
Classification: Uncertain significance for Rubinstein-Taybi syndrome due to EP300 haploinsufficiency. Last evaluated: 2025-06-04. Review status: criteria provided, single submitter. Criteria: Invitae Variant Classification Sherloc (09022015). Collection method: clinical testing. Allele origin: germline.
Comment: This sequence change replaces methionine, which is neutral and non-polar, with valine, which is neutral and non-polar, at codon 2278 of the EP300 protein (p.Met2278Val). This variant is not present in population databases (gnomAD no frequency). This variant has not been reported in the literature in individuals affected with EP300-related conditions. ClinVar contains an entry for this variant (Variation ID: 3679101). Invitae Evidence Modeling of protein sequence and biophysical properties (such as structural, functional, and spatial information, amino acid conservation, physicochemical variation, residue mobility, and thermodynamic stability) indicates that this missense variant is not expected to disrupt EP300 protein function with a negative predictive value of 80%. In summary, the available evidence is currently insufficient to determine the role of this variant in disease. Therefore, it has been classified as a Variant of Uncertain Significance.

NM_001429.4(EP300):c.6832A>G (p.Met2278Val)

Gene: EP300 (EP300 lysine acetyltransferase; plus strand). Cytogenetic location: 22q13.2.
Variant type: single nucleotide variant.
Coding change: c.6832A>G on transcript NM_001429.4 (MANE Select); coding-DNA position 6832, A replaced by G.
Protein change: p.Met2278Val; replaces methionine 2278 with valine.
Molecular consequence: missense variant.
Genome position (GRCh38, 1-based): chr22:41,178,543, A>G. VCF-style: chr22-41178543-A-G. GRCh37 (hg19) VCF-style: chr22-41574547-A-G.
Other names: c.6754A>G, p.Met2252Val (NM_001362843.2); short protein forms M2252V, M2278V.
Identifiers: ClinVar variation 3679101 (VCV003679101.2).